The following is an entry in ClinVar:

NM_000138.5(FBN1):c.2415T>G (p.Cys805Trp)

Gene: FBN1 (fibrillin 1; minus strand). Cytogenetic location: 15q21.1.
Variant type: single nucleotide variant.
Coding change: c.2415T>G on transcript NM_000138.5 (MANE Select); coding-DNA position 2415, T replaced by G.
Protein change: p.Cys805Trp; replaces cysteine 805 with tryptophan.
Molecular consequence: missense variant.
Genome position (GRCh38, 1-based): chr15:48,496,104, A>C on the plus strand (T>G on the coding strand, the complement: FBN1 is on the minus strand). VCF-style: chr15-48496104-A-C. GRCh37 (hg19) VCF-style: chr15-48788301-A-C.
Other names: short protein forms C805W.
Identifiers: ClinVar variation 684779 (VCV000684779.12), dbSNP rs1597569551, ClinGen allele CA392335094.

ClinVar aggregate classification (germline): Pathogenic. Review status: criteria provided, multiple submitters, no conflicts (2 of 4 stars). 2 submissions from 2 submitters: Pathogenic (2). Last evaluated 2024-12-29.

Conditions:
Marfan syndrome (MFS). Also called: MARFAN SYNDROME, TYPE I; FBN1-Related Marfan Syndrome; Marfan syndrome type 1; Marfan's syndrome; Marfan syndrome, classic. Identifiers: Orphanet 284963, Orphanet 558, MedGen C0024796, MONDO:0007947, OMIM 154700.
Familial thoracic aortic aneurysm and aortic dissection (TAAD). Also called: Thoracic aortic aneurysms and dissections. Identifiers: Orphanet 91387, MedGen C4707243, MONDO:0019625.

Submissions (2):

Labcorp Genetics (formerly Invitae), Labcorp
Classification: Pathogenic for Marfan syndrome; Familial thoracic aortic aneurysm and aortic dissection. Last evaluated: 2024-12-29. Review status: criteria provided, single submitter. Criteria: Invitae Variant Classification Sherloc (09022015). Collection method: clinical testing. Allele origin: germline.
Comment: This sequence change replaces cysteine, which is neutral and slightly polar, with tryptophan, which is neutral and slightly polar, at codon 805 of the FBN1 protein (p.Cys805Trp). This variant is not present in population databases (gnomAD no frequency). This missense change has been observed in individual(s) with clinical features of Marfan syndrome (PMID: 17627385, 20564469). ClinVar contains an entry for this variant (Variation ID: 684779). Invitae Evidence Modeling of protein sequence and biophysical properties (such as structural, functional, and spatial information, amino acid conservation, physicochemical variation, residue mobility, and thermodynamic stability) indicates that this missense variant is expected to disrupt FBN1 protein function with a positive predictive value of 95%. This variant affects a cysteine residue in the EGF-like, TGFBP or hybrid motif domains of FBN1. Cysteine residues are believed to be involved in intramolecular disulfide bridges and have been shown to be important for FBN1 protein structure (PMID: 16905551, 19349279). In addition, missense substitutions affecting cysteine residues within these domains are significantly overrepresented among patients with Marfan syndrome (PMID: 16571647, 17701892). This variant disrupts the p.Cys805 amino acid residue in FBN1. Other variant(s) that disrupt this residue have been observed in individuals with FBN1-related conditions (PMID: 25053872, 29848614), which suggests that this may be a clinically significant amino acid residue. For these reasons, this variant has been classified as Pathogenic.

Petrovsky National Research Centre of Surgery, The Federal Agency for Scientific Organizations
Classification: Pathogenic for Marfan syndrome. Last evaluated: 2019-08-26. Review status: criteria provided, single submitter. Criteria: ACMG Guidelines, 2015. Collection method: clinical testing. Allele origin: unknown. Inheritance: Autosomal dominant inheritance. Affected: yes. Observed: 1 heterozygote.
Comment: The p.Cys805Trp variant was reported in 2 unrelated individuals with Ectopia Lentis (DOI: 10.1002/humu.21305; ESHG abstracts 2012 P02.086) and was absent from large population studies (ExAC no frequency). Other substitution at 805 codon (C805R) is known at patient with EL (PMID: 25053872). Cysteine is located in cbEGF-like domain and participating in Disulfide bonds 792-805. Substitutions at cysteine residues in EGF domains are a common mechanism for disease in FBN1 gene (PMID: 1301946, 12938084, 15161917). Computational results of PolyPhen2, Provean, SIFT, MutationMaster show deleterious effect. Based on this evidences p.Cys805Trp variant is classified as Pathogenic.

Literature cited by the submitters: PubMed 17627385 (cited by Labcorp Genetics (formerly Invitae), Labcorp); PubMed 20564469 (cited by Labcorp Genetics (formerly Invitae), Labcorp); PubMed 16905551 (cited by Labcorp Genetics (formerly Invitae), Labcorp); PubMed 19349279 (cited by Labcorp Genetics (formerly Invitae), Labcorp); PubMed 16571647 (cited by Labcorp Genetics (formerly Invitae), Labcorp); PubMed 17701892 (cited by Labcorp Genetics (formerly Invitae), Labcorp); PubMed 25053872 (cited by Labcorp Genetics (formerly Invitae), Labcorp); PubMed 29848614 (cited by Labcorp Genetics (formerly Invitae), Labcorp).